The following is an entry in ClinVar:

ClinVar aggregate classification (germline): Uncertain significance (1 of 4 stars; one submission).

Conditions:
Familial cold autoinflammatory syndrome 3 (FCAS3). Also called: ANTIBODY DEFICIENCY AND IMMUNE DYSREGULATION, PLCG2-ASSOCIATED; FAMILIAL ATYPICAL COLD URTICARIA. Identifiers: Orphanet 300359, MedGen C3280914, MONDO:0013766, OMIM 614468.

gnomAD v4.1: 1 of 1,613,966 alleles (0.000062%); highest among the groups gnomAD compares: South Asian, 0.0011%; no homozygotes.

Submission:

Labcorp Genetics (formerly Invitae), Labcorp
Classification: Uncertain significance for Familial cold autoinflammatory syndrome 3. Last evaluated: 2024-02-17. Review status: criteria provided, single submitter. Criteria: Invitae Variant Classification Sherloc (09022015). Collection method: clinical testing. Allele origin: germline.
Comment: This sequence change replaces isoleucine, which is neutral and non-polar, with leucine, which is neutral and non-polar, at codon 251 of the PLCG2 protein (p.Ile251Leu). This variant is present in population databases (rs190840748, gnomAD 0.003%). This variant has not been reported in the literature in individuals affected with PLCG2-related conditions. Algorithms developed to predict the effect of missense changes on protein structure and function output the following: SIFT: "Not Available"; PolyPhen-2: "Benign"; Align-GVGD: "Not Available". The leucine amino acid residue is found in multiple mammalian species, which suggests that this missense change does not adversely affect protein function. In summary, the available evidence is currently insufficient to determine the role of this variant in disease. Therefore, it has been classified as a Variant of Uncertain Significance.

NM_002661.5(PLCG2):c.751A>C (p.Ile251Leu)

Gene: PLCG2 (phospholipase C gamma 2; plus strand). Cytogenetic location: 16q23.3.
Variant type: single nucleotide variant.
Coding change: c.751A>C on transcript NM_002661.5 (MANE Select); coding-DNA position 751, A replaced by C.
Protein change: p.Ile251Leu; replaces isoleucine 251 with leucine.
Molecular consequence: missense variant.
Genome position (GRCh38, 1-based): chr16:81,883,327, A>C. VCF-style: chr16-81883327-A-C. GRCh37 (hg19) VCF-style: chr16-81916932-A-C.
Other names: c.751A>C, p.Ile251Leu (NM_001425749.1, NM_001425750.1, NM_001425751.1); short protein forms I251L.
Identifiers: ClinVar variation 3670388 (VCV003670388.2).